The following is an entry in ClinVar:

ClinVar aggregate classification (germline): Likely pathogenic (1 of 4 stars; one submission).

Conditions:
Surfactant metabolism dysfunction, pulmonary, 2 (SMDP2). Also called: DESQUAMATIVE INTERSTITIAL PNEUMONITIS DUE TO SURFACTANT PROTEIN C DEFICIENCY; INTERSTITIAL LUNG DISEASE DUE TO SURFACTANT PROTEIN C DEFICIENCY; PULMONARY ALVEOLAR PROTEINOSIS, CONGENITAL, 2. Identifiers: Orphanet 440392, MedGen C1970470, MONDO:0024465, OMIM 610913.

Submission:

3billion
Classification: Likely pathogenic for Surfactant metabolism dysfunction, pulmonary, 2. Last evaluated: 2022-01-03. Review status: criteria provided, single submitter. Criteria: ACMG Guidelines, 2015. Collection method: clinical testing. Allele origin: germline. Affected: yes. Observed: 1 heterozygote.
Comment: The variant was observed to be de novo (3billion dataset, PS2_S). It is not observed in the gnomAD v2.1.1 dataset (PM2_M). In silico tool predictions suggest damaging effect of the variant on gene or gene product (REVEL: 0.95, PP3_P). Therefore, this variant is classified as likely pathogenic according to the recommendation of ACMG/AMP guideline.

NM_001317778.2(SFTPC):c.314A>T (p.Asp105Val)

Gene: SFTPC (surfactant protein C; plus strand). Cytogenetic location: 8p21.3.
Variant type: single nucleotide variant.
Coding change: c.314A>T on transcript NM_001317778.2 (MANE Select); coding-DNA position 314, A replaced by T.
Protein change: p.Asp105Val; replaces aspartic acid 105 with valine.
Molecular consequence: missense variant.
Genome position (GRCh38, 1-based): chr8:22,163,192, A>T. VCF-style: chr8-22163192-A-T. GRCh37 (hg19) VCF-style: chr8-22020705-A-T.
Other names: c.314A>T, p.Asp105Val (NM_001172357.2, NM_001172410.2, NM_001317780.2 and 8 more transcripts); c.155A>T, p.Asp52Val (NM_001317779.2, NM_001385660.1); short protein forms D105V, D52V.
Identifiers: ClinVar variation 1333368 (VCV001333368.1), dbSNP rs2131817329, ClinGen allele CA370537500.